The following is an entry in ClinVar:

ClinVar aggregate classification (germline): Uncertain significance. Review status: criteria provided, multiple submitters, no conflicts (2 of 4 stars). 6 submissions from 6 submitters: Uncertain significance (6). Last evaluated 2026-01-27.

Conditions:
Ventricular arrhythmias due to cardiac ryanodine receptor calcium release deficiency syndrome. Also called: Autosomal dominant cardiac arrhythmia (Kuhn). Identifiers: MedGen C5542154, MONDO:0020745, OMIM 115000.
Catecholaminergic polymorphic ventricular tachycardia 1. Also called: RYR2-Related Catecholaminergic Polymorphic Ventricular Tachycardia; VENTRICULAR TACHYCARDIA, CATECHOLAMINERGIC POLYMORPHIC, 1, WITH OR WITHOUT ATRIAL DYSFUNCTION AND/OR DILATED CARDIOMYOPATHY; VENTRICULAR TACHYCARDIA, STRESS-INDUCED POLYMORPHIC 1. Identifiers: Orphanet 3286, MedGen C1631597, MONDO:0011484, OMIM 604772.
Arrhythmogenic right ventricular dysplasia 2. Identifiers: MedGen C1832931.
Cardiovascular phenotype. Identifiers: MedGen CN230736.
Catecholaminergic polymorphic ventricular tachycardia (CVPT). Also called: Catecholamine-induced polymorphic ventricular tachycardia. Identifiers: Orphanet 3286, MedGen C5574922, MONDO:0017990.
Cardiomyopathy (CMYO). Also called: Cardiomyopathies. Identifiers: Orphanet 167848, MedGen C0878544, MONDO:0004994, HP:0001638. Inheritance: Various modes of inheritance.

Allele frequency attached by ClinVar (database versions not stated): gnomAD exomes 0.00001; ExAC 0.00004; gnomAD 0.00010; 1000 Genomes Project 30x 0.00016; TOPMed 0.00017.
gnomAD v4.1: 26 of 1,556,002 alleles (0.0017%); highest among the groups gnomAD compares: African/African-American, 0.031%; no homozygotes.

Submissions (6):

Labcorp Genetics (formerly Invitae), Labcorp
Classification: Uncertain significance for Catecholaminergic polymorphic ventricular tachycardia 1. Last evaluated: 2026-01-27. Review status: criteria provided, single submitter. Criteria: Invitae Variant Classification Sherloc (09022015). Collection method: clinical testing. Allele origin: germline.
Comment: This sequence change falls in intron 58 of the RYR2 gene. It does not directly change the encoded amino acid sequence of the RYR2 protein. It affects a nucleotide within the consensus splice site. This variant is present in population databases (rs778964264, gnomAD 0.02%). This variant has not been reported in the literature in individuals affected with RYR2-related conditions. ClinVar contains an entry for this variant (Variation ID: 518737). Variants that disrupt the consensus splice site are a relatively common cause of aberrant splicing (PMID: 17576681, 9536098). Algorithms developed to predict the effect of sequence changes on RNA splicing suggest that this variant is not likely to affect RNA splicing. In summary, the available evidence is currently insufficient to determine the role of this variant in disease. Therefore, it has been classified as a Variant of Uncertain Significance.

Color Diagnostics, LLC DBA Color Health
Classification: Uncertain significance for Cardiomyopathy. Last evaluated: 2025-07-25. Review status: criteria provided, single submitter. Criteria: ACMG Guidelines, 2015. Collection method: clinical testing. Allele origin: germline.
Comment: This variant causes an A to G nucleotide substitution at the +4 position of intron 58 of the RYR2 gene. To our knowledge, functional studies have not been reported for this variant. This variant has not been reported in individuals affected with RYR2-related disorders in the literature. This variant has been identified in 3/198192 chromosomes in the general population by the Genome Aggregation Database (gnomAD). The available evidence is insufficient to determine the role of this variant in disease conclusively. Therefore, this variant is classified as a Variant of Uncertain Significance.

Ambry Genetics
Classification: Uncertain significance for Cardiovascular phenotype. Last evaluated: 2024-09-10. Review status: criteria provided, single submitter. Criteria: Ambry Variant Classification Scheme 2023. Collection method: clinical testing. Allele origin: germline.
Comment: The c.8590+4A>G intronic variant results from an A to G substitution 4 nucleotides after coding exon 58 in the RYR2 gene. This nucleotide position is well conserved in available vertebrate species. In silico splice site analysis for this alteration is inconclusive. Since supporting evidence is limited at this time, the clinical significance of this alteration remains unclear.

All of Us Research Program, National Institutes of Health
Classification: Uncertain significance for Catecholaminergic polymorphic ventricular tachycardia. Last evaluated: 2024-02-05. Review status: criteria provided, single submitter. Criteria: ACMG Guidelines, 2015. Collection method: clinical testing. Allele origin: germline. Inheritance: Autosomal dominant inheritance. Observed: 5 variant alleles, 5 heterozygotes.
Comment: This variant causes an A to G nucleotide substitution at the +4 position of intron 58 of the RYR2 gene. Splice prediction tools are inconclusive regarding the impact of this variant on RNA splicing. To our knowledge, functional studies have not been reported for this variant. This variant has not been reported in individuals affected with cardiovascular disorders in the literature. This variant has been identified in 3/198192 chromosomes in the general population by the Genome Aggregation Database (gnomAD). The available evidence is insufficient to determine the role of this variant in disease conclusively. Therefore, this variant is classified as a Variant of Uncertain Significance.

This study involves interpretation of variants in research participants for the purpose of population health screening. Participant phenotype was not available at the time of variant classification. Additional details can be found in publication PMID: 35346344, PMCID: PMC8962531

Fulgent Genetics
Classification: Uncertain significance for Ventricular arrhythmias due to cardiac ryanodine receptor calcium release deficiency syndrome; Catecholaminergic polymorphic ventricular tachycardia 1. Last evaluated: 2021-12-05. Review status: criteria provided, single submitter. Criteria: ACMG Guidelines, 2015. Collection method: clinical testing. Allele origin: unknown.

GeneDx
Classification: Uncertain significance. Last evaluated: 2021-01-28. Review status: criteria provided, single submitter. Criteria: GeneDx Variant Classification Process June 2021. Collection method: clinical testing. Allele origin: germline. Affected: yes.
Comment: Has not been previously published as pathogenic or benign to our knowledge; Not observed at a significant frequency in large population cohorts (Lek et al., 2016); In-silico analysis is inconclusive as to whether the variant alters gene splicing; in the absence of RNA/functional studies, the actual effect of this sequence change is unknown; Reported in ClinVar but additional evidence is not available (ClinVar Variant ID#518737; Landrum et al., 2016)

Literature cited by the submitters: PubMed 17576681 (cited by Labcorp Genetics (formerly Invitae), Labcorp); PubMed 9536098 (cited by Labcorp Genetics (formerly Invitae), Labcorp).

NM_001035.3(RYR2):c.8590+4A>G

Gene: RYR2 (ryanodine receptor 2; plus strand). Cytogenetic location: 1q43.
Variant type: single nucleotide variant.
Coding change: c.8590+4A>G on transcript NM_001035.3 (MANE Select); 4 bases into the intron after coding-DNA position 8590, A replaced by G.
Molecular consequence: intron variant.
Genome position (GRCh38, 1-based): chr1:237,667,962, A>G. VCF-style: chr1-237667962-A-G. GRCh37 (hg19) VCF-style: chr1-237831262-A-G.
Other names: c.8590+4A>G (LRG_402t1).
Identifiers: ClinVar variation 518737 (VCV000518737.23), dbSNP rs778964264, ClinGen allele CA087683.
Genomic context (GRCh38, chr1:237,667,962, plus strand): 5'-CTGAAAACTACCATAATATATGGGCAAAGAAAAAGAAAATGGAGTTGGAGTCCAAAGGTA[A>G]TATTTTCTAAAAACGTTTATTAAAAAATAATCTGAGCTCAATTCCATGAGTGTATGGATG-3'